The following is an entry in ClinVar:

NM_001375524.1(TRRAP):c.9170T>C (p.Leu3057Ser)

Gene: TRRAP (transformation/transcription domain associated protein; plus strand). Cytogenetic location: 7q22.1.
Variant type: single nucleotide variant.
Coding change: c.9170T>C on transcript NM_001375524.1 (MANE Select); coding-DNA position 9170, T replaced by C.
Protein change: p.Leu3057Ser; replaces leucine 3057 with serine.
Molecular consequence: missense variant.
Genome position (GRCh38, 1-based): chr7:98,984,240, T>C. VCF-style: chr7-98984240-T-C. GRCh37 (hg19) VCF-style: chr7-98581863-T-C.
Other names: c.9182T>C, p.Leu3061Ser (NM_001244580.2); c.9095T>C, p.Leu3032Ser (NM_003496.4); short protein forms L3032S, L3061S, L3057S.
Identifiers: ClinVar variation 3653308 (VCV003653308.2).

ClinVar aggregate classification (germline): Uncertain significance (1 of 4 stars; one submission).

Submission:

Labcorp Genetics (formerly Invitae), Labcorp
Classification: Uncertain significance. Last evaluated: 2025-03-05. Review status: criteria provided, single submitter. Criteria: Invitae Variant Classification Sherloc (09022015). Collection method: clinical testing. Allele origin: germline.
Comment: This sequence change replaces leucine, which is neutral and non-polar, with serine, which is neutral and polar, at codon 3032 of the TRRAP protein (p.Leu3032Ser). This variant is not present in population databases (gnomAD no frequency). This variant has not been reported in the literature in individuals affected with TRRAP-related conditions. Invitae Evidence Modeling of protein sequence and biophysical properties (such as structural, functional, and spatial information, amino acid conservation, physicochemical variation, residue mobility, and thermodynamic stability) indicates that this missense variant is expected to disrupt TRRAP protein function with a positive predictive value of 80%. In summary, the available evidence is currently insufficient to determine the role of this variant in disease. Therefore, it has been classified as a Variant of Uncertain Significance.